The following is an entry in ClinVar:

NM_000540.3(RYR1):c.4161-8A>G

Gene: RYR1 (ryanodine receptor 1; plus strand). Cytogenetic location: 19q13.2.
Variant type: single nucleotide variant.
Coding change: c.4161-8A>G on transcript NM_000540.3 (MANE Select); 8 bases into the intron before coding-DNA position 4161, A replaced by G.
Molecular consequence: intron variant.
Genome position (GRCh38, 1-based): chr19:38,475,310, A>G. VCF-style: chr19-38475310-A-G. GRCh37 (hg19) VCF-style: chr19-38965950-A-G.
Other names: c.4161-8A>G (NM_001042723.2).
Identifiers: ClinVar variation 1127682 (VCV001127682.10), dbSNP rs749480693, ClinGen allele CA065616.

ClinVar aggregate classification (germline): Likely benign. Review status: criteria provided, multiple submitters, no conflicts (2 of 4 stars). 2 submissions from 2 submitters: Likely benign (2). Last evaluated 2026-01-18.

Conditions:
RYR1-related disorder. Also called: RYR1-related condition; RYR1-related disorders. Identifiers: MedGen CN239331.
Malignant hyperthermia, susceptibility to, 1 (MHS1). Also called: Anesthesia related hyperthermia; Malignant hyperpyrexia; Fulminating hyperpyrexia; Pharmacogenic myopathy; Malignant hyperthermia suceptibility 1; RYR1-Related Malignant Hyperthermia Susceptibility. Identifiers: Orphanet 423, MedGen C2930980, MONDO:0007783, OMIM 145600.

Allele frequency attached by ClinVar (database versions not stated): gnomAD exomes below 0.00001; gnomAD 0.00003 and 0.00004; TOPMed 0.00003; ExAC 0.00004.
gnomAD v4.1: 8 of 1,572,018 alleles (0.00051%); highest among the groups gnomAD compares: Middle Eastern, 0.018%; no homozygotes.

Submissions (2):

Labcorp Genetics (formerly Invitae), Labcorp
Classification: Likely benign for RYR1-related disorder. Last evaluated: 2026-01-18. Review status: criteria provided, single submitter. Criteria: Invitae Variant Classification Sherloc (09022015). Collection method: clinical testing. Allele origin: germline.

All of Us Research Program, National Institutes of Health
Classification: Likely benign for Malignant hyperthermia, susceptibility to, 1. Last evaluated: 2024-02-22. Review status: criteria provided, single submitter. Criteria: ACMG Guidelines, 2015. Collection method: clinical testing. Allele origin: germline. Inheritance: Autosomal dominant inheritance. Observed: 1 variant allele, 1 heterozygote.
Comment: This study involves interpretation of variants in research participants for the purpose of population health screening. Participant phenotype was not available at the time of variant classification. Additional details can be found in publication PMID: 35346344, PMCID: PMC8962531